The following is an entry in ClinVar:

ClinVar aggregate classification (germline): Uncertain significance. Review status: criteria provided, multiple submitters, no conflicts (2 of 4 stars). 3 submissions from 3 submitters: Uncertain significance (3). Last evaluated 2025-02-17.

Conditions:
Inborn genetic diseases. Identifiers: MedGen C0950123, MeSH D030342.
Glomerulopathy with fibronectin deposits 2 (GFND2). Identifiers: Orphanet 84090, MedGen C1866075, MONDO:0011165, OMIM 601894.
Spondylometaphyseal dysplasia - Sutcliffe type. Also called: Sutcliffe type of spondylometaphyseal dysplasia; Sutcliffe SMD; Spondylometaphyseal dysplasia, 'corner fracture' type; Spondylometaphyseal Dysplasia, Corner Fracture Type. Identifiers: Orphanet 93315, MedGen C0432221, MONDO:0008479, OMIM 184255.

Allele frequency attached by ClinVar (database versions not stated): ExAC 0.00002; gnomAD exomes 0.00002; TOPMed 0.00002.
gnomAD v4.1: 9 of 1,614,184 alleles (0.00056%); highest among the groups gnomAD compares: Admixed American, 0.015%; no homozygotes.

Submissions (3):

Labcorp Genetics (formerly Invitae), Labcorp
Classification: Uncertain significance. Last evaluated: 2025-02-17. Review status: criteria provided, single submitter. Criteria: Invitae Variant Classification Sherloc (09022015). Collection method: clinical testing. Allele origin: germline.
Comment: This sequence change replaces asparagine, which is neutral and polar, with aspartic acid, which is acidic and polar, at codon 863 of the FN1 protein (p.Asn863Asp). This variant is present in population databases (rs765458717, gnomAD 0.01%). This variant has not been reported in the literature in individuals affected with FN1-related conditions. ClinVar contains an entry for this variant (Variation ID: 2178247). An algorithm developed to predict the effect of missense changes on protein structure and function outputs the following: PolyPhen-2: "Benign". The aspartic acid amino acid residue is found in multiple mammalian species, which suggests that this missense change does not adversely affect protein function. In summary, the available evidence is currently insufficient to determine the role of this variant in disease. Therefore, it has been classified as a Variant of Uncertain Significance.

Fulgent Genetics
Classification: Uncertain significance for Spondylometaphyseal dysplasia - Sutcliffe type; Glomerulopathy with fibronectin deposits 2. Last evaluated: 2024-05-10. Review status: criteria provided, single submitter. Criteria: ACMG Guidelines, 2015. Collection method: clinical testing. Allele origin: germline.

Ambry Genetics
Classification: Uncertain significance for Inborn genetic diseases. Last evaluated: 2022-06-13. Review status: criteria provided, single submitter. Criteria: Ambry Variant Classification Scheme 2023. Collection method: clinical testing. Allele origin: germline.

NM_212482.4(FN1):c.2587A>G (p.Asn863Asp)

Gene: FN1 (fibronectin 1; minus strand). Cytogenetic location: 2q35.
Variant type: single nucleotide variant.
Coding change: c.2587A>G on transcript NM_212482.4 (MANE Select); coding-DNA position 2587, A replaced by G.
Protein change: p.Asn863Asp; replaces asparagine 863 with aspartic acid.
Molecular consequence: missense variant.
Genome position (GRCh38, 1-based): chr2:215,407,253, T>C on the plus strand (A>G on the coding strand, the complement: FN1 is on the minus strand). VCF-style: chr2-215407253-T-C. GRCh37 (hg19) VCF-style: chr2-216271976-T-C.
Other names: c.2587A>G, p.Asn863Asp (NM_001306129.2, NM_001306130.2, NM_001306131.2 and 13 more transcripts); c.2587A>G (NM_212482.1); short protein forms N863D.
Identifiers: ClinVar variation 2178247 (VCV002178247.6), dbSNP rs765458717, ClinGen allele CA2094927.